The following is an entry in ClinVar:

ClinVar aggregate classification (germline): Uncertain significance (1 of 4 stars; one submission).

Conditions:
Inborn genetic diseases. Identifiers: MedGen C0950123, MeSH D030342.

Submission:

Ambry Genetics
Classification: Uncertain significance for Inborn genetic diseases. Last evaluated: 2025-10-03. Review status: criteria provided, single submitter. Criteria: Ambry Variant Classification Scheme 2023. Collection method: clinical testing. Allele origin: germline.
Comment: The p.D1532Y variant (also known as c.4594G>T), located in coding exon 18 of the FANCM gene, results from a G to T substitution at nucleotide position 4594. The aspartic acid at codon 1532 is replaced by tyrosine, an amino acid with highly dissimilar properties. This amino acid position is conserved. In addition, this alteration is predicted to be tolerated by in silico analysis. Based on the available evidence, the clinical significance of this variant remains unclear.

NM_020937.4(FANCM):c.4594G>T (p.Asp1532Tyr)

Gene: FANCM (FA complementation group M; plus strand). Cytogenetic location: 14q21.2.
Variant type: single nucleotide variant.
Coding change: c.4594G>T on transcript NM_020937.4 (MANE Select); coding-DNA position 4594, G replaced by T.
Protein change: p.Asp1532Tyr; replaces aspartic acid 1532 with tyrosine.
Molecular consequence: missense variant.
Genome position (GRCh38, 1-based): chr14:45,185,295, G>T. VCF-style: chr14-45185295-G-T. GRCh37 (hg19) VCF-style: chr14-45654498-G-T.
Other names: c.4516G>T, p.Asp1506Tyr (NM_001308133.2); short protein forms D1506Y, D1532Y.
Identifiers: ClinVar variation 4619468 (VCV004619468.1).
Genomic context (GRCh38, chr14:45,185,295, plus strand): 5'-TTAGATGATGAAGCAGAACTTTCTGAAGAAGATGCAGAATATGTTTCATCAGATGAAAAT[G>T]ATGAGTCAGAAAATGAACAAGATTCCTCATTACTTGACTTTTTAAATGATGAAACTCAAC-3'
Protein context (NP_065988.1, residues 1522-1542): DAEYVSSDEN[Asp1532Tyr]ESENEQDSSL